The following is an entry in ClinVar:

ClinVar aggregate classification (germline): Uncertain significance. Review status: no assertion criteria provided (0 of 4 stars). 2 submissions from 1 submitter: Uncertain significance (1). 1 of the submissions does not count toward it.

Allele frequency attached by ClinVar (database versions not stated): gnomAD exomes below 0.00001.
gnomAD v4.1: 2 of 1,614,042 alleles (0.00012%); highest among the groups gnomAD compares: East Asian, 0.0045%; no homozygotes.

Submissions (2):

Richard Lifton Laboratory, Yale University School of Medicine
Classification: Uncertain significance. Review status: no assertion criteria provided. Collection method: not provided. Allele origin: somatic.
Comment: BBS4:p.P439L
ClinVar note: Converted during submission from unknown to Uncertain significance.

Richard Lifton Laboratory, Yale University School of Medicine
Classification: Uncertain significance. Review status: flagged submission. Collection method: not provided. Allele origin: somatic. Not counted in ClinVar's aggregate classification.
ClinVar note: Converted during submission from unknown to Uncertain significance.
ClinVar note: Reason: This record appears to be redundant with a more recent record from the same submitter.
ClinVar note: Notes: SCV000120109 appears to be redundant with SCV000155213.

NM_033028.5(BBS4):c.1316C>T (p.Pro439Leu)

Gene: BBS4 (Bardet-Biedl syndrome 4; plus strand). Cytogenetic location: 15q24.1.
Variant type: single nucleotide variant.
Coding change: c.1316C>T on transcript NM_033028.5 (MANE Select); coding-DNA position 1316, C replaced by T.
Protein change: p.Pro439Leu; replaces proline 439 with leucine.
Molecular consequence: missense variant. On other transcripts: non-coding transcript variant (2).
Genome position (GRCh38, 1-based): chr15:72,736,829, C>T. VCF-style: chr15-72736829-C-T. GRCh37 (hg19) VCF-style: chr15-73029170-C-T.
Other names: c.800C>T, p.Pro267Leu (NM_001252678.2); c.1247C>T, p.Pro416Leu (NM_001320665.2); short protein forms P439L, P416L, P267L.
Identifiers: ClinVar variation 100884 (VCV000100884.2), dbSNP rs483352761, ClinGen allele CA229196.